The following is an entry in ClinVar:

ClinVar aggregate classification (germline): Pathogenic/Likely pathogenic. Review status: criteria provided, multiple submitters, no conflicts (2 of 4 stars). 9 submissions from 9 submitters: Pathogenic (8); Likely pathogenic (1). Last evaluated 2026-02-18.

Conditions:
OBSL1-related disorder. Also called: OBSL1-related condition.
3M syndrome 2. Also called: THREE M SYNDROME 2; 3-M Syndrome, OBSL1-Related. Identifiers: Orphanet 2616, MedGen C2752041, MONDO:0013039, OMIM 612921.

Submissions (9):

Dasa
Classification: Pathogenic. Last evaluated: 2026-02-18. Review status: criteria provided, single submitter. Criteria: DASA Assertion Criteria. Collection method: clinical testing. Allele origin: germline.
Comment: NM_015311.3(OBSL1):c.35dup (p.Cys13Valfs*241) introduces a premature termination codon predicted to result in loss of normal protein function. Loss-of-function is an established mechanism of disease for this gene. This variant has been reported in an affected individual with related phenotype in a genotype context consistent with recessive disease (PMID: 33135300). The variant is present at low frequency in population datasets. Based on the available data, this variant is classified as pathogenic.

Labcorp Genetics (formerly Invitae), Labcorp
Classification: Pathogenic. Last evaluated: 2026-01-28. Review status: criteria provided, single submitter. Criteria: Invitae Variant Classification Sherloc (09022015). Collection method: clinical testing. Allele origin: germline.
Comment: This sequence change creates a premature translational stop signal (p.Cys13Valfs*241) in the OBSL1 gene. It is expected to result in an absent or disrupted protein product. Loss-of-function variants in OBSL1 are known to be pathogenic (PMID: 19481195, 19877176). This variant is present in population databases (rs752401295, gnomAD 0.02%). This premature translational stop signal has been observed in individual(s) with 3-M syndrome (PMID: 33135300). ClinVar contains an entry for this variant (Variation ID: 976857). For these reasons, this variant has been classified as Pathogenic.

OLLIN Analises Genomicas, OLLIN
Classification: Pathogenic for 3M syndrome 2. Last evaluated: 2025-09-08. Review status: criteria provided, single submitter. Criteria: ACMG Guidelines 2015 PMID 25741868. Collection method: clinical testing. Allele origin: germline. Affected: yes. Observed: 1 variant allele.
Comment: The frameshift variant (chr2:219571197C>CG), located in exon 1 (of 21), is reported in ClinVar (VCV000976857.14), in gnomAD v4.1 non-UKB with an allele frequency of 0.0057%, and in the scientific literature, also in homozygosity, in individuals with 3-M syndrome (PMID: 33135300). This variant promotes a change in the reading frame with subsequent introduction of a premature stop codon, resulting in a truncated protein or mRNA degradation via nonsense-mediated decay (NMD). According to currently available evidence, this variant has been classified as pathogenic (PVS1, PM2_P, PM3).

GeneDx
Classification: Pathogenic. Last evaluated: 2025-05-27. Review status: criteria provided, single submitter. Criteria: GeneDx Variant Classification Process June 2021. Collection method: clinical testing. Allele origin: germline. Affected: yes.
Comment: Frameshift variant predicted to result in protein truncation or nonsense mediated decay in a gene for which loss of function is a known mechanism of disease; This variant is associated with the following publications: (PMID: 33135300)

Blueprint Genetics
Classification: Likely pathogenic for OBSL1-related disorders. Last evaluated: 2024-09-24. Review status: criteria provided, single submitter. Criteria: ACMG Guidelines, 2015. Collection method: clinical testing. Allele origin: germline. Affected: yes. Observed: 5 variant alleles.

3billion
Classification: Pathogenic for 3M syndrome 2. Last evaluated: 2022-03-22. Review status: criteria provided, single submitter. Criteria: ACMG Guidelines, 2015. Collection method: clinical testing. Allele origin: germline. Affected: yes. Observed: 1 homozygote.
Comment: Frameshift: predicted to result in a loss or disruption of normal protein function through nonsense-mediated decay (NMD) or protein truncation. Multiple pathogenic variants are reported downstream of the variant. This variant has been reported as pathogenic (ClinVar ID: VCV000976857, PMID:33135300). The variant is observed at an extremely low frequency in the gnomAD v2.1.1 dataset (total allele frequency: 0.0000920). Therefore, this variant is classified as pathogenic according to the recommendation of ACMG/AMP guideline.

Laboratorio de Genetica e Diagnostico Molecular, Hospital Israelita Albert Einstein
Classification: Pathogenic for 3M syndrome 2. Last evaluated: 2021-05-05. Review status: criteria provided, single submitter. Criteria: ACMG Guidelines, 2015. Collection method: clinical testing. Allele origin: germline. Affected: yes.
Comment: ACMG classification criteria: PVS1, PM2, PM3 supporting

Kasturba Medical College, Manipal, Kasturba Medical College, Manipal, Manipal Academy of Higher Education, Manipal, India
Classification: Pathogenic for 3M syndrome 2. Review status: criteria provided, single submitter. Criteria: ACMG Guidelines, 2015. Collection method: clinical testing. Allele origin: inherited. Inheritance: Autosomal dominant inheritance. Affected: yes.

Neuberg Centre For Genomic Medicine, NCGM
Classification: Pathogenic for 3M syndrome 2. Review status: criteria provided, single submitter. Criteria: ACMG Guidelines, 2015. Collection method: clinical testing. Allele origin: germline. Inheritance: Autosomal recessive inheritance. Affected: yes.
Comment: The observed frameshift variant c.35dup (p.Cys13ValfsTer241) in OBSL1 gene has been reported compound heterozygous state in multiple patients affected with 3-M syndrome 2 (Jacob P et al. 2021). Thep.Cys13ValfsTer241 variant has allele frequency 0.007% in gnomAD Exomes. This variant has been submitted to the ClinVar database as Likely Pathogenic / Pathogenic (multiple submitters). This variant causes a frameshift starting with codon Cysteine 13, changes this amino acid to Valine residue, and creates a premature Stop codon at position 241 of the new reading frame, denoted p.Cys13ValfsTer241. This variant is predicted to cause loss of normal protein function through protein truncation. Loss-of-function variants in OBSL1 are known to be pathogenic (Huber C et al. 2010). For these reasons, this variant has been classified as Pathogenic.

Literature cited by the submitters: PubMed 33135300 (cited by 4 submitters); PubMed 19481195 (cited by Labcorp Genetics (formerly Invitae), Labcorp); PubMed 19877176 (cited by Labcorp Genetics (formerly Invitae), Labcorp).

NM_015311.3(OBSL1):c.35dup (p.Cys13fs)

Gene: OBSL1 (obscurin like cytoskeletal adaptor 1; minus strand). Cytogenetic location: 2q35.
Variant type: Duplication.
Coding change: c.35dup on transcript NM_015311.3 (MANE Select); coding-DNA position 35, one base duplicated (C; older notation c.35dupC).
Protein change: p.Cys13fs; shifts the reading frame from cysteine 13.
Molecular consequence: frameshift variant.
Genome position (GRCh38, 1-based): chr2:219,571,198, G duplicated on the plus strand (C on the coding strand, the reverse complement: OBSL1 is on the minus strand); the first of 6 consecutive G bases (chr2:219,571,198-219,571,203); duplicating any one gives the same sequence. VCF-style (leftmost placement, unchanged base first): chr2-219571197-C-CG. GRCh37 (hg19) VCF-style: chr2-220435919-C-CG.
Other names: c.35dup (NM_015311.2); c.35dupC (NM_015311.2); c.35dup, p.Cys13fs (NM_001173408.2, NM_001173431.2); short protein forms C13fs.
Identifiers: ClinVar variation 976857 (VCV000976857.17), dbSNP rs752401295, ClinGen allele CA2131836.